The following is an entry in ClinVar:

NM_002677.5(PMP2):c.144TAT[1] (p.Ile50del)

Gene: PMP2 (peripheral myelin protein 2; minus strand). Cytogenetic location: 8q21.13.
Variant type: Microsatellite.
Coding change: c.144TAT[1] on transcript NM_002677.5 (MANE Select); one copy of the 3-base unit TAT starting at c.144; the reference has two copies in a row; one copy, 3 bases deleted; also written c.147_149del.
Protein change: p.Ile50del; deletes isoleucine 50.
Molecular consequence: inframe deletion. On other transcripts: intron variant (1).
Genome position (GRCh38, 1-based): chr8:81,444,914-81,444,916, ATA deleted on the plus strand (TAT on the coding strand, the reverse complement: PMP2 is on the minus strand); deleting any 3 consecutive bases within chr8:81,444,914-81,444,919 gives the same sequence; the position shown is the placement nearest the transcript's 3' end. VCF-style (leftmost placement, unchanged base first): chr8-81444913-TATA-T. GRCh37 (hg19) VCF-style: chr8-82357148-TATA-T.
Other names: c.74-315_74-313del (NM_001348381.2); c.147_149delTAT (NM_002677.5); c.147_149del (NM_002677.3); short protein forms I50del.
Identifiers: ClinVar variation 1180711 (VCV001180711.9), dbSNP rs2129708244, ClinGen allele CA1139533010.

ClinVar aggregate classification (germline): Pathogenic/Likely pathogenic. Review status: criteria provided, multiple submitters, no conflicts (2 of 4 stars). 4 submissions from 4 submitters: Pathogenic (3); Likely pathogenic (1). Last evaluated 2025-10-28.

Conditions:
Peripheral neuropathy. Also called: Neuropathy. Identifiers: MedGen C0031117, MONDO:0005244, HP:0009830.
Charcot-Marie-Tooth disease, demyelinating, type 1G (CMT1G). Identifiers: Orphanet 476394, MedGen C4748940, MONDO:0033135, OMIM 618279.

Submissions (4):

Women's Health and Genetics/Laboratory Corporation of America, LabCorp
Classification: Pathogenic for Charcot-Marie-Tooth disease, demyelinating, type 1G. Last evaluated: 2025-10-28. Review status: criteria provided, single submitter. Criteria: LabCorp Variant Classification Summary - May 2015. Collection method: clinical testing. Allele origin: germline.
Comment: Variant summary: PMP2 c.147_149delTAT (p.Ile50del) results in an in-frame deletion that is predicted to remove one amino acid from the encoded protein. The variant was absent in 251288 control chromosomes. c.147_149delTAT has been observed in multiple individuals affected with Charcot-Marie-Tooth disease, demyelinating, type 1G (Geroldi2020, Baga_2023). These data indicate that the variant is very likely to be associated with disease. To our knowledge, no experimental evidence demonstrating an impact on protein function has been reported. The following publications have been ascertained in the context of this evaluation (PMID: 37238449, 32277537). ClinVar contains an entry for this variant (Variation ID: 1180711). Based on the evidence outlined above, the variant was classified as pathogenic.

Labcorp Genetics (formerly Invitae), Labcorp
Classification: Pathogenic. Last evaluated: 2025-08-14. Review status: criteria provided, single submitter. Criteria: Invitae Variant Classification Sherloc (09022015). Collection method: clinical testing. Allele origin: germline.
Comment: This variant, c.147_149del, results in the deletion of 1 amino acid(s) of the PMP2 protein (p.Ile50del), but otherwise preserves the integrity of the reading frame. This variant is not present in population databases (gnomAD no frequency). This variant has been observed in individuals with clinical features of Charcot-Marie-Tooth disease (PMID: 32277537; internal data). It has also been observed to segregate with disease in related individuals. ClinVar contains an entry for this variant (Variation ID: 1180711). Algorithms developed to predict the effect of variants on gene product structure and function are not available or were not evaluated for this variant. Experimental studies have shown that this variant affects PMP2 function (PMID: 34138518). For these reasons, this variant has been classified as Pathogenic.

GeneDx
Classification: Pathogenic. Last evaluated: 2023-12-19. Review status: criteria provided, single submitter. Criteria: GeneDx Variant Classification Process June 2021. Collection method: clinical testing. Allele origin: germline. Affected: yes.
Comment: Not observed at significant frequency in large population cohorts (gnomAD); In-frame deletion of 1 amino acids in a non-repeat region; In silico analysis supports a deleterious effect on protein structure/function; This variant is associated with the following publications: (PMID: 34138518, 37238449, 32277537)

Kariminejad - Najmabadi Pathology & Genetics Center
Classification: Likely pathogenic for Peripheral neuropathy. Last evaluated: 2021-07-10. Review status: criteria provided, single submitter. Criteria: ACMG Guidelines, 2015. Collection method: clinical testing. Allele origin: germline. Affected: yes.

Literature cited by the submitters: PubMed 37238449 (cited by Women's Health and Genetics/Laboratory Corporation of America, LabCorp); PubMed 32277537 (cited by Women's Health and Genetics/Laboratory Corporation of America, LabCorp and Labcorp Genetics (formerly Invitae), Labcorp); PubMed 34138518 (cited by Labcorp Genetics (formerly Invitae), Labcorp).